The following is an entry in ClinVar:

NM_016592.5(GNAS):c.479C>T (p.Thr160Ile)

Genes: GNAS (GNAS complex locus; plus strand), GNAS-AS1 (GNAS antisense RNA 1; minus strand). Cytogenetic location: 20q13.32.
Variant type: single nucleotide variant.
Coding change: c.479C>T on transcript NM_016592.5 (MANE Plus Clinical); coding-DNA position 479, C replaced by T.
Protein change: p.Thr160Ile; replaces threonine 160 with isoleucine.
Molecular consequence: missense variant. On other transcripts: 5 prime UTR variant (1).
Genome position (GRCh38, 1-based): chr20:58,840,585, C>T. VCF-style: chr20-58840585-C-T. GRCh37 (hg19) VCF-style: chr20-57415640-C-T.
Other names: c.-259C>T (NM_001410912.1); short protein forms T160I.
Identifiers: ClinVar variation 3357867 (VCV003357867.3).
Genomic context (GRCh38, chr20:58,840,585, plus strand): 5'-AGCCTGAAGACGATCGCGGCCCGGTGGTGCCCAAGCACTCCACCTTCGGCCAGTCCCTCA[C>T]CCAGCGTCTGCACGCTCTCAAGTTGCGAAGCCCCGACGCCTCCCCAAGTCGCGCGCCGCC-3'
Protein context (NP_057676.1, residues 150-170): PKHSTFGQSL[Thr160Ile]QRLHALKLRS

ClinVar aggregate classification (germline): Uncertain significance. Review status: criteria provided, single submitter (1 of 4 stars). 2 submissions from 2 submitters: Uncertain significance (1). 1 of the submissions does not count toward it. Last evaluated 2024-02-26.

Conditions:
GNAS-related disorder. Identifiers: MedGen CN380105.

gnomAD v4.1: 88 of 1,611,636 alleles (0.0055%); highest among the groups gnomAD compares: Non-Finnish European, 0.0071%; no homozygotes.

Submissions (2):

Dasa
Classification: Uncertain significance. Last evaluated: 2024-02-26. Review status: criteria provided, single submitter. Criteria: DASA Assertion Criteria. Collection method: clinical testing. Allele origin: germline.
Comment: NM_016592.5(GNAS):c.479C>T (p.Thr160Ile) is a missense variant that results in the substitution of threonine with isoleucine. This variant is rare in population databases. Computational prediction algorithms are consistent with a benign effect. The currently available literature and clinical evidence are not sufficient to establish a definitive association between this variant and the reported condition. Therefore, this variant is classified as a variant of uncertain significance.

PreventionGenetics, part of Exact Sciences
Classification: Uncertain significance for GNAS-related condition. Last evaluated: 2024-03-27. Review status: no assertion criteria provided. Collection method: clinical testing. Allele origin: germline. Not counted in ClinVar's aggregate classification.
Comment: The GNAS c.479C>T variant is predicted to result in the amino acid substitution p.Thr160Ile. To our knowledge, this variant has not been reported in the literature. This variant is reported in 0.0028% of alleles in individuals of Latino descent in gnomAD. At this time, the clinical significance of this variant is uncertain due to the absence of conclusive functional and genetic evidence.